The following is an entry in ClinVar:

ClinVar aggregate classification (germline): Uncertain significance (1 of 4 stars; one submission).

Conditions:
Leber congenital amaurosis 7 (LCA7). Identifiers: Orphanet 65, MedGen C3151192, MONDO:0013449, OMIM 613829.
Cone-rod dystrophy 2 (CORD2). Also called: CONE-ROD RETINAL DYSTROPHY; Cone-rod retinal dystrophy 2. Identifiers: Orphanet 1872, MedGen C3489532, MONDO:0007362, OMIM 120970.

Allele frequency attached by ClinVar (database versions not stated): gnomAD exomes below 0.00001; gnomAD 0.00001.

Submission:

Labcorp Genetics (formerly Invitae), Labcorp
Classification: Uncertain significance for Cone-rod dystrophy 2; Leber congenital amaurosis 7. Last evaluated: 2020-09-09. Review status: criteria provided, single submitter. Criteria: Invitae Variant Classification Sherloc (09022015). Collection method: clinical testing. Allele origin: germline.
Comment: In summary, the available evidence is currently insufficient to determine the role of this variant in disease. Therefore, it has been classified as a Variant of Uncertain Significance. Experimental studies and prediction algorithms are not available or were not evaluated, and the functional significance of this variant is currently unknown. This variant has not been reported in the literature in individuals with CRX-related conditions. This variant is not present in population databases (ExAC no frequency). This sequence change results in a frameshift in the CRX gene (p.Lys270Asnfs*50). While this is not anticipated to result in nonsense mediated decay, it is expected to disrupt the last 30 amino acids of the CRX protein and extend the protein by an additional 19 amino acids.

NM_000554.6(CRX):c.806_809dup (p.Lys270fs)

Gene: CRX (cone-rod homeobox; plus strand). Cytogenetic location: 19q13.33.
Variant type: Duplication.
Coding change: c.806_809dup on transcript NM_000554.6 (MANE Select); coding-DNA positions 806 to 809, 4 bases duplicated (TCAA; older notation c.806_809dupTCAA).
Protein change: p.Lys270fs; shifts the reading frame from lysine 270.
Molecular consequence: frameshift variant.
Genome position (GRCh38, 1-based): chr19:47,839,873-47,839,876, TCAA duplicated. VCF-style (leftmost placement, unchanged base first): chr19-47839872-T-TTCAA. GRCh37 (hg19) VCF-style: chr19-48343129-T-TTCAA.
Other names: short protein forms K270fs.
Identifiers: ClinVar variation 1059600 (VCV001059600.7), dbSNP rs1968173706, ClinGen allele CA996552638.